The following is an entry in ClinVar:

NM_031942.5(CDCA7):c.196dup (p.Tyr66fs)

Gene: CDCA7 (cell division cycle associated 7; plus strand). Cytogenetic location: 2q31.1.
Variant type: Duplication.
Coding change: c.196dup on transcript NM_031942.5 (MANE Select); coding-DNA position 196, one base duplicated (T; older notation c.196dupT).
Protein change: p.Tyr66fs; shifts the reading frame from tyrosine 66.
Molecular consequence: frameshift variant. On other transcripts: intron variant (1).
Genome position (GRCh38, 1-based): chr2:173,359,303, T duplicated; the last of 6 consecutive T bases (chr2:173,359,298-173,359,303); duplicating any one gives the same sequence. VCF-style (leftmost placement, unchanged base first): chr2-173359297-G-GT. GRCh37 (hg19) VCF-style: chr2-174224025-G-GT.
Other names: c.147+466dup (NM_145810.3); short protein forms Y66fs.
Identifiers: ClinVar variation 1723277 (VCV001723277.4), dbSNP rs772970252, ClinGen allele CA1971184.

ClinVar aggregate classification (germline): Uncertain significance. Review status: criteria provided, multiple submitters, no conflicts (2 of 4 stars). 2 submissions from 2 submitters: Uncertain significance (2). Last evaluated 2022-10-10.

Submissions (2):

Women's Health and Genetics/Laboratory Corporation of America, LabCorp
Classification: Uncertain significance. Last evaluated: 2022-10-10. Review status: criteria provided, single submitter. Criteria: LabCorp Variant Classification Summary - May 2015. Collection method: clinical testing. Allele origin: germline.
Comment: Variant summary: CDCA7 c.196dupT (p.Tyr66LeufsX2) results in a premature termination codon, predicted to cause a truncation of the encoded protein or absence of the protein due to nonsense mediated decay. The variant allele was found at a frequency of 2e-05 in 251248 control chromosomes. However, at this time the current clinical and genetic evidence is not sufficient to establish whether loss-of-function variants in CDCA7 cause disease. To our knowledge, no occurrence of c.196dupT in individuals affected with ICF Syndrome, Type 3 and no experimental evidence demonstrating its impact on protein function have been reported. No clinical diagnostic laboratories have submitted clinical-significance assessments for this variant to ClinVar after 2014. Based on the evidence outlined above, the variant was classified as uncertain significance.

Labcorp Genetics (formerly Invitae), Labcorp
Classification: Uncertain significance. Last evaluated: 2022-07-15. Review status: criteria provided, single submitter. Criteria: Invitae Variant Classification Sherloc (09022015). Collection method: clinical testing. Allele origin: germline.
Comment: In summary, the available evidence is currently insufficient to determine the role of this variant in disease. Therefore, it has been classified as a Variant of Uncertain Significance. Algorithms developed to predict the effect of sequence changes on RNA splicing suggest that this variant may create or strengthen a splice site. This variant has not been reported in the literature in individuals affected with CDCA7-related conditions. This variant is present in population databases (rs772970252, gnomAD 0.009%). This sequence change creates a premature translational stop signal (p.Tyr66Leufs*2) in the CDCA7 gene. It is expected to result in an absent or disrupted protein product. However, the current clinical and genetic evidence is not sufficient to establish whether loss-of-function variants in CDCA7 cause disease.